The following is an entry in ClinVar:

ClinVar aggregate classification (germline): Likely benign (1 of 4 stars; one submission).

Submission:

CeGaT Center for Human Genetics Tuebingen
Classification: Likely benign. Last evaluated: 2026-07-01. Review status: criteria provided, single submitter. Criteria: CeGaT Center For Human Genetics Tuebingen Variant Classification Criteria Version 2. Collection method: clinical testing. Allele origin: germline. Affected: yes. Observed: 1 variant allele.
Comment: CNOT2: BP4, BP7

NM_014515.7(CNOT2):c.726T>C (p.Ser242=)

Gene: CNOT2 (CCR4-NOT transcription complex subunit 2; plus strand). Cytogenetic location: 12q15.
Variant type: single nucleotide variant.
Coding change: c.726T>C on transcript NM_014515.7 (MANE Select); coding-DNA position 726, T replaced by C.
Protein change: p.Ser242=; no amino-acid change (serine 242 retained).
Molecular consequence: synonymous variant. On other transcripts: non-coding transcript variant (1).
Genome position (GRCh38, 1-based): chr12:70,335,514, T>C. VCF-style: chr12-70335514-T-C. GRCh37 (hg19) VCF-style: chr12-70729294-T-C.
Other names: c.726T>C, p.Ser242= (NM_001199302.2, NM_001199303.2, NM_001414651.1 and 1 more transcripts); c.699T>C, p.Ser233= (NM_001414653.1, NM_001414654.1, NM_001414655.1); c.684T>C, p.Ser228= (NM_001414656.1); c.666T>C, p.Ser222= (NM_001414657.1, NM_001414658.1, NM_001414659.1 and 1 more transcripts); c.603T>C, p.Ser201= (NM_001414661.1); c.543T>C, p.Ser181= (NM_001414662.1).
Identifiers: ClinVar variation 5038711 (VCV005038711.1).